The following is an entry in ClinVar:

ClinVar aggregate classification (germline): Uncertain significance (1 of 4 stars; one submission).

Conditions:
Neurofibromatosis, type 1 (NF1). Also called: VON RECKLINGHAUSEN DISEASE; Neurofibromatosis, type I; NEUROFIBROMATOSIS, TYPE I, SOMATIC; Peripheral type neurofibromatosis. Identifiers: Orphanet 636, MedGen C0027831, MONDO:0018975, OMIM 162200. Disease mechanism: loss of function.

Submission:

Labcorp Genetics (formerly Invitae), Labcorp
Classification: Uncertain significance for Neurofibromatosis, type 1. Last evaluated: 2018-12-15. Review status: criteria provided, single submitter. Criteria: Invitae Variant Classification Sherloc (09022015). Collection method: clinical testing. Allele origin: germline.
Comment: This variant has not been reported in the literature in individuals with NF1-related conditions. In summary, the available evidence is currently insufficient to determine the role of this variant in disease. Therefore, it has been classified as a Variant of Uncertain Significance. Nucleotide substitutions within the consensus splice site are a relatively common cause of aberrant splicing (PMID: 17576681, 9536098). Algorithms developed to predict the effect of sequence changes on RNA splicing suggest that this variant is not likely to affect RNA splicing, but this prediction has not been confirmed by published transcriptional studies. This variant is not present in population databases (ExAC no frequency). This sequence change falls in intron 48 of the NF1 gene. It does not directly change the encoded amino acid sequence of the NF1 protein, but it affects a nucleotide within the consensus splice site of the intron.

Literature cited by the submitters: PubMed 17576681; PubMed 9536098.

NM_001042492.3(NF1):c.7321+6A>G

Gene: NF1 (neurofibromin 1; plus strand). Cytogenetic location: 17q11.2.
Variant type: single nucleotide variant.
Coding change: c.7321+6A>G on transcript NM_001042492.3 (MANE Select); 6 bases into the intron after coding-DNA position 7321, A replaced by G.
Molecular consequence: intron variant.
Genome position (GRCh38, 1-based): chr17:31,349,257, A>G. VCF-style: chr17-31349257-A-G. GRCh37 (hg19) VCF-style: chr17-29676275-A-G.
Other names: c.7258+6A>G (NM_000267.4).
Identifiers: ClinVar variation 650076 (VCV000650076.5), dbSNP rs1597858669, ClinGen allele CA915949840.